The following is an entry in ClinVar:

ClinVar aggregate classification (germline): Uncertain significance. Review status: criteria provided, multiple submitters, no conflicts (2 of 4 stars). 2 submissions from 2 submitters: Uncertain significance (2). Last evaluated 2025-07-24.

Allele frequency attached by ClinVar (database versions not stated): ExAC 0.00002; gnomAD exomes 0.00004; gnomAD 0.00005 and 0.00006; TOPMed 0.00005.
gnomAD v4.1: 74 of 1,613,118 alleles (0.0046%); highest among the groups gnomAD compares: Middle Eastern, 0.049%; no homozygotes.

Submissions (2):

Mayo Clinic Laboratories, Mayo Clinic
Classification: Uncertain significance. Last evaluated: 2025-07-24. Review status: criteria provided, single submitter. Criteria: ACMG Guidelines, 2015. Collection method: clinical testing. Allele origin: germline. Observed: 1 variant allele.
Comment: BP4_moderate

Labcorp Genetics (formerly Invitae), Labcorp
Classification: Uncertain significance. Last evaluated: 2024-02-17. Review status: criteria provided, single submitter. Criteria: Invitae Variant Classification Sherloc (09022015). Collection method: clinical testing. Allele origin: germline.
Comment: This sequence change replaces serine, which is neutral and polar, with isoleucine, which is neutral and non-polar, at codon 147 of the PCDH12 protein (p.Ser147Ile). This variant is present in population databases (rs759794990, gnomAD 0.05%). This missense change has been observed in individual(s) with clinical features of PCDH12-related conditions (PMID: 28804758). ClinVar contains an entry for this variant (Variation ID: 1462465). Advanced modeling of protein sequence and biophysical properties (such as structural, functional, and spatial information, amino acid conservation, physicochemical variation, residue mobility, and thermodynamic stability) performed at Invitae indicates that this missense variant is not expected to disrupt PCDH12 protein function with a negative predictive value of 95%. In summary, the available evidence is currently insufficient to determine the role of this variant in disease. Therefore, it has been classified as a Variant of Uncertain Significance.

Literature cited by the submitters: PubMed 28804758 (cited by Mayo Clinic Laboratories, Mayo Clinic and Labcorp Genetics (formerly Invitae), Labcorp).

NM_016580.4(PCDH12):c.440G>T (p.Ser147Ile)

Genes: PCDH12 (protocadherin 12; minus strand), RNF14 (ring finger protein 14; plus strand). Cytogenetic location: 5q31.3.
Variant type: single nucleotide variant.
Coding change: c.440G>T on transcript NM_016580.4 (MANE Select); coding-DNA position 440, G replaced by T.
Protein change: p.Ser147Ile; replaces serine 147 with isoleucine.
Molecular consequence: missense variant.
Genome position (GRCh38, 1-based): chr5:141,957,412, C>A on the plus strand (G>T on the coding strand, the complement: PCDH12 is on the minus strand). VCF-style: chr5-141957412-C-A. GRCh37 (hg19) VCF-style: chr5-141336977-C-A.
Other names: p.Ser147Ile; c.440G>T (NM_016580.3); short protein forms S147I.
Identifiers: ClinVar variation 1462465 (VCV001462465.9), dbSNP rs759794990, ClinGen allele CA3484560.